The following is an entry in ClinVar:

ClinVar aggregate classification (germline): Uncertain significance (1 of 4 stars; one submission).

Conditions:
Inborn genetic diseases. Identifiers: MedGen C0950123, MeSH D030342.

Submission:

Ambry Genetics
Classification: Uncertain significance for Inborn genetic diseases. Last evaluated: 2018-01-02. Review status: criteria provided, single submitter. Criteria: Ambry Variant Classification Scheme 2023. Collection method: clinical testing. Allele origin: germline.
Comment: The p.D888Y variant (also known as c.2662G>T), located in coding exon 19 of the ATP1A2 gene, results from a G to T substitution at nucleotide position 2662. The aspartic acid at codon 888 is replaced by tyrosine, an amino acid with highly dissimilar properties. This amino acid position is highly conserved in available vertebrate species. In addition, this alteration is predicted to be deleterious by in silico analysis. Since supporting evidence is limited at this time, the clinical significance of this alteration remains unclear.

NM_000702.4(ATP1A2):c.2662G>T (p.Asp888Tyr)

Gene: ATP1A2 (ATPase Na+/K+ transporting subunit alpha 2; plus strand). Cytogenetic location: 1q23.2.
Variant type: single nucleotide variant.
Coding change: c.2662G>T on transcript NM_000702.4 (MANE Select); coding-DNA position 2662, G replaced by T.
Protein change: p.Asp888Tyr; replaces aspartic acid 888 with tyrosine.
Molecular consequence: missense variant.
Genome position (GRCh38, 1-based): chr1:160,136,668, G>T. VCF-style: chr1-160136668-G-T. GRCh37 (hg19) VCF-style: chr1-160106458-G-T.
Other names: short protein forms D888Y.
Identifiers: ClinVar variation 1794468 (VCV001794468.2), dbSNP rs2524891184, ClinGen allele CA343252168.